The following is an entry in ClinVar:

ClinVar aggregate classification (germline): Likely pathogenic (1 of 4 stars; one submission).

Conditions:
Primary ciliary dyskinesia. Also called: Ciliary dyskinesia. Identifiers: Orphanet 244, MedGen C0008780, MONDO:0016575, HP:0012265.

Submission:

Labcorp Genetics (formerly Invitae), Labcorp
Classification: Likely pathogenic for Primary ciliary dyskinesia. Last evaluated: 2022-11-29. Review status: criteria provided, single submitter. Criteria: Invitae Variant Classification Sherloc (09022015). Collection method: clinical testing. Allele origin: germline.
Comment: In summary, the currently available evidence indicates that the variant is pathogenic, but additional data are needed to prove that conclusively. Therefore, this variant has been classified as Likely Pathogenic. Advanced modeling of protein sequence and biophysical properties (such as structural, functional, and spatial information, amino acid conservation, physicochemical variation, residue mobility, and thermodynamic stability) performed at Invitae indicates that this missense variant is expected to disrupt DNAH11 protein function. ClinVar contains an entry for this variant (Variation ID: 410833). This missense change has been observed in individual(s) with primary ciliary dyskinesia (Invitae). This variant is not present in population databases (gnomAD no frequency). This sequence change replaces glycine, which is neutral and non-polar, with arginine, which is basic and polar, at codon 2855 of the DNAH11 protein (p.Gly2855Arg).

NM_001277115.2(DNAH11):c.8563G>A (p.Gly2855Arg)

Gene: DNAH11 (dynein axonemal heavy chain 11; plus strand). Cytogenetic location: 7p15.3.
Variant type: single nucleotide variant.
Coding change: c.8563G>A on transcript NM_001277115.2 (MANE Select); coding-DNA position 8563, G replaced by A.
Protein change: p.Gly2855Arg; replaces glycine 2855 with arginine.
Molecular consequence: missense variant.
Genome position (GRCh38, 1-based): chr7:21,748,632, G>A. VCF-style: chr7-21748632-G-A. GRCh37 (hg19) VCF-style: chr7-21788250-G-A.
Other names: short protein forms G2855R.
Identifiers: ClinVar variation 410833 (VCV000410833.9), dbSNP rs1060503056, ClinGen allele CA16612081.